The following is an entry in ClinVar:

ClinVar aggregate classification (germline): Uncertain significance (1 of 4 stars; one submission).

Submission:

Labcorp Genetics (formerly Invitae), Labcorp
Classification: Uncertain significance. Last evaluated: 2023-11-27. Review status: criteria provided, single submitter. Criteria: Invitae Variant Classification Sherloc (09022015). Collection method: clinical testing. Allele origin: germline.
Comment: This sequence change replaces asparagine, which is neutral and polar, with tyrosine, which is neutral and polar, at codon 144 of the MYO7A protein (p.Asn144Tyr). This variant is not present in population databases (gnomAD no frequency). This variant has not been reported in the literature in individuals affected with MYO7A-related conditions. ClinVar contains an entry for this variant (Variation ID: 1716274). Advanced modeling of protein sequence and biophysical properties (such as structural, functional, and spatial information, amino acid conservation, physicochemical variation, residue mobility, and thermodynamic stability) has been performed at Invitae for this missense variant, however the output from this modeling did not meet the statistical confidence thresholds required to predict the impact of this variant on MYO7A protein function. In summary, the available evidence is currently insufficient to determine the role of this variant in disease. Therefore, it has been classified as a Variant of Uncertain Significance.

NM_000260.4(MYO7A):c.430A>T (p.Asn144Tyr)

Gene: MYO7A (myosin VIIA; plus strand). Cytogenetic location: 11q13.5.
Variant type: single nucleotide variant.
Coding change: c.430A>T on transcript NM_000260.4 (MANE Select); coding-DNA position 430, A replaced by T.
Protein change: p.Asn144Tyr; replaces asparagine 144 with tyrosine.
Molecular consequence: missense variant.
Genome position (GRCh38, 1-based): chr11:77,156,051, A>T. VCF-style: chr11-77156051-A-T. GRCh37 (hg19) VCF-style: chr11-76867097-A-T.
Other names: c.430A>T, p.Asn144Tyr (NM_001127180.2); c.397A>T, p.Asn133Tyr (NM_001369365.1); short protein forms N133Y, N144Y.
Identifiers: ClinVar variation 1716274 (VCV001716274.5), dbSNP rs782384633, ClinGen allele CA381931614.
Genomic context (GRCh38, chr11:77,156,051, plus strand): 5'-AACAAGAAGATTGGGGAGATGCCCCCCCACATCTTTGCCATTGCTGACAACTGCTACTTC[A>T]ACATGAAACGCAACAGCCGAGACCAGTGCTGCATCATCAGGTGGGCGGCCCAGCACCTGT-3'
Protein context (NP_000251.3, residues 134-154): IFAIADNCYF[Asn144Tyr]MKRNSRDQCC